The following is an entry in ClinVar:

ClinVar aggregate classification (germline): Uncertain significance. Review status: criteria provided, multiple submitters, no conflicts (2 of 4 stars). 4 submissions from 4 submitters: Uncertain significance (4). Last evaluated 2025-06-16.

Conditions:
BARD1-related cancer predisposition. Identifiers: MedGen CN377756, MONDO:0700267.
Familial cancer of breast. Also called: Hereditary breast cancer; BREAST CANCER, FAMILIAL; hereditary breast carcinoma. Identifiers: Orphanet 227535, MedGen C0346153, MONDO:0016419, OMIM 114480. Disease mechanism: loss of function.
Hereditary cancer-predisposing syndrome. Also called: Hereditary Cancer Syndrome; Neoplastic Syndromes, Hereditary; Tumor predisposition; Hereditary neoplastic syndrome. Identifiers: Orphanet 140162, MedGen C0027672, MeSH D009386, MONDO:0015356.

Allele frequency attached by ClinVar (database versions not stated): gnomAD exomes below 0.00001; ExAC 0.00001.
gnomAD v4.1: 6 of 1,613,278 alleles (0.00037%); highest among the groups gnomAD compares: South Asian, 0.0033%; no homozygotes.

Submissions (4):

Labcorp Genetics (formerly Invitae), Labcorp
Classification: Uncertain significance for Familial cancer of breast. Last evaluated: 2025-06-16. Review status: criteria provided, single submitter. Criteria: Invitae Variant Classification Sherloc (09022015). Collection method: clinical testing. Allele origin: germline.
Comment: This sequence change replaces lysine, which is basic and polar, with glutamic acid, which is acidic and polar, at codon 438 of the BARD1 protein (p.Lys438Glu). This variant is present in population databases (rs754539312, gnomAD 0.0009%). This missense change has been observed in individual(s) with colorectal cancer (PMID: 32522261). ClinVar contains an entry for this variant (Variation ID: 489653). An algorithm developed to predict the effect of missense changes on protein structure and function (PolyPhen-2) suggests that this variant is likely to be disruptive. In summary, the available evidence is currently insufficient to determine the role of this variant in disease. Therefore, it has been classified as a Variant of Uncertain Significance.

Ambry Genetics
Classification: Uncertain significance for Hereditary cancer-predisposing syndrome. Last evaluated: 2025-04-23. Review status: criteria provided, single submitter. Criteria: Ambry Variant Classification Scheme 2023. Collection method: clinical testing. Allele origin: germline.
Comment: The p.K438E variant (also known as c.1312A>G), located in coding exon 4 of the BARD1 gene, results from an A to G substitution at nucleotide position 1312. The lysine at codon 438 is replaced by glutamic acid, an amino acid with similar properties. This alteration was detected in a cohort of 128 hereditary breast and ovarian cancer (HBOC) and hereditary nonpolyposis colorectal cancer (HNPCC) cases who underwent multi-gene panel testing (Vel&aacute;zquez C et al. J Transl Med, 2020 06;18:232). This amino acid position is highly conserved in available vertebrate species. In addition, the in silico prediction for this alteration is inconclusive. Since supporting evidence is limited at this time, the clinical significance of this alteration remains unclear.

Molecular Pathology, Peter Maccallum Cancer Centre
Classification: Uncertain significance for BARD1-related cancer predisposition. Last evaluated: 2025-02-24. Review status: criteria provided, single submitter. Criteria: ACMG Guidelines, 2015. Collection method: clinical testing. Allele origin: germline. Inheritance: Autosomal dominant inheritance.

Color Diagnostics, LLC DBA Color Health
Classification: Uncertain significance for Hereditary cancer-predisposing syndrome. Last evaluated: 2024-08-06. Review status: criteria provided, single submitter. Criteria: ACMG Guidelines, 2015. Collection method: clinical testing. Allele origin: germline.
Comment: This missense variant replaces lysine with glutamic acid at codon 438 of the BARD1 protein. Computational prediction suggests that this variant may not impact protein structure and function. To our knowledge, functional studies have not been reported for this variant. This variant has been reported in an individual affected with hereditary nonpolyposis colorectal cancer or hereditary breast and ovarian cancer (PMID: 32522261). This variant has been identified in 1/250670 chromosomes in the general population by the Genome Aggregation Database (gnomAD). The available evidence is insufficient to determine the role of this variant in disease conclusively. Therefore, this variant is classified as a Variant of Uncertain Significance.

Literature cited by the submitters: PubMed 32522261 (cited by 3 submitters).

NM_000465.4(BARD1):c.1312A>G (p.Lys438Glu)

Gene: BARD1 (BRCA1 associated RING domain 1; minus strand). Cytogenetic location: 2q35.
Variant type: single nucleotide variant.
Coding change: c.1312A>G on transcript NM_000465.4 (MANE Select); coding-DNA position 1312, A replaced by G.
Protein change: p.Lys438Glu; replaces lysine 438 with glutamic acid.
Molecular consequence: missense variant. On other transcripts: non-coding transcript variant (2), intron variant (3).
Genome position (GRCh38, 1-based): chr2:214,780,562, T>C on the plus strand (A>G on the coding strand, the complement: BARD1 is on the minus strand). VCF-style: chr2-214780562-T-C. GRCh37 (hg19) VCF-style: chr2-215645286-T-C.
Other names: c.1255A>G, p.Lys419Glu (NM_001282543.2); c.159-28007A>G (NM_001282548.2); c.215+16499A>G (NM_001282545.2); c.364+11735A>G (NM_001282549.2); short protein forms K438E, K419E.
Identifiers: ClinVar variation 489653 (VCV000489653.20), dbSNP rs754539312, ClinGen allele CA2090308.